The following is an entry in ClinVar:

NM_000435.3(NOTCH3):c.730C>T (p.Arg244Ter)

Gene: NOTCH3 (notch receptor 3; minus strand). Cytogenetic location: 19p13.12.
Variant type: single nucleotide variant.
Coding change: c.730C>T on transcript NM_000435.3 (MANE Select); coding-DNA position 730, C replaced by T.
Protein change: p.Arg244Ter; replaces arginine 244 with a stop codon.
Molecular consequence: nonsense.
Genome position (GRCh38, 1-based): chr19:15,191,817, G>A on the plus strand (C>T on the coding strand, the complement: NOTCH3 is on the minus strand). VCF-style: chr19-15191817-G-A. GRCh37 (hg19) VCF-style: chr19-15302628-G-A.
Other names: short protein forms R244*.
Identifiers: ClinVar variation 1471082 (VCV001471082.6), dbSNP rs2046929318, ClinGen allele CA404532670.

ClinVar aggregate classification (germline): Pathogenic (1 of 4 stars; one submission).

Allele frequency attached by ClinVar (database versions not stated): gnomAD exomes below 0.00001; gnomAD 0.00001.
gnomAD v4.1: 4 of 1,613,824 alleles (0.00025%); highest among the groups gnomAD compares: Non-Finnish European, 0.00034%; no homozygotes.

Submission:

Labcorp Genetics (formerly Invitae), Labcorp
Classification: Pathogenic. Last evaluated: 2025-03-07. Review status: criteria provided, single submitter. Criteria: Invitae Variant Classification Sherloc (09022015). Collection method: clinical testing. Allele origin: germline.
Comment: This sequence change creates a premature translational stop signal (p.Arg244*) in the NOTCH3 gene. It is expected to result in an absent or disrupted protein product. Loss-of-function variants in NOTCH3 are known to be pathogenic (PMID: 25870235, 32980981, 38824264). This variant is not present in population databases (gnomAD no frequency). This variant has not been reported in the literature in individuals affected with NOTCH3-related conditions. ClinVar contains an entry for this variant (Variation ID: 1471082). For these reasons, this variant has been classified as Pathogenic.

Literature cited by the submitters: PubMed 25870235; PubMed 32980981; PubMed 38824264.